The following is an entry in ClinVar:

NM_001271.4(CHD2):c.4413+3A>G

Gene: CHD2 (chromodomain helicase DNA binding protein 2; plus strand). Cytogenetic location: 15q26.1.
Variant type: single nucleotide variant.
Coding change: c.4413+3A>G on transcript NM_001271.4 (MANE Select); 3 bases into the intron after coding-DNA position 4413, A replaced by G.
Molecular consequence: intron variant.
Genome position (GRCh38, 1-based): chr15:93,004,754, A>G. VCF-style: chr15-93004754-A-G. GRCh37 (hg19) VCF-style: chr15-93547984-A-G.
Identifiers: ClinVar variation 1039180 (VCV001039180.7), dbSNP rs2054298217, ClinGen allele CA2196386170.
Genomic context (GRCh38, chr15:93,004,754, plus strand): 5'-ACCTGTCCCCATTGGAGAGGATGAGGATGATGATCTGGACCAGGAGACATTCAGCATAGT[A>G]AGTCTTGAAATCGGGGGGTGCCAGTGTCTGCAGCCGCGGTACTTGCTGTGGCTCTGCCTT-3'

ClinVar aggregate classification (germline): Uncertain significance (1 of 4 stars; one submission).

Conditions:
Developmental and epileptic encephalopathy 94 (DEE94). Also called: Epileptic encephalopathy, childhood-onset; CHD2-Related Neurodevelopmental Disorders. Identifiers: Orphanet 1942, Orphanet 2382, MedGen C3809278, MONDO:0014150, OMIM 615369.

Submission:

Labcorp Genetics (formerly Invitae), Labcorp
Classification: Uncertain significance for Developmental and epileptic encephalopathy 94. Last evaluated: 2020-06-27. Review status: criteria provided, single submitter. Criteria: Invitae Variant Classification Sherloc (09022015). Collection method: clinical testing. Allele origin: germline.
Comment: This variant has not been reported in the literature in individuals with CHD2-related conditions. This variant is not present in population databases (ExAC no frequency). This sequence change falls in intron 34 of the CHD2 gene. It does not directly change the encoded amino acid sequence of the CHD2 protein, but it affects a nucleotide within the consensus splice site of the intron. Nucleotide substitutions within the consensus splice site are a relatively common cause of aberrant splicing (PMID: 17576681, 9536098). Algorithms developed to predict the effect of sequence changes on RNA splicing suggest that this variant may disrupt the consensus splice site, but this prediction has not been confirmed by published transcriptional studies. In summary, the available evidence is currently insufficient to determine the role of this variant in disease. Therefore, it has been classified as a Variant of Uncertain Significance.

Literature cited by the submitters: PubMed 17576681; PubMed 9536098.